The following is an entry in ClinVar:

ClinVar aggregate classification (germline): Uncertain significance (1 of 4 stars; one submission).

Conditions:
Danon disease. Also called: PSEUDOGLYCOGENOSIS II; GSD IIb; LYSOSOMAL GLYCOGEN STORAGE DISEASE WITHOUT ACID MALTASE DEFICIENCY; ANTOPOL DISEASE; Glycogen Storage Disease Type IIb. Identifiers: Orphanet 34587, MedGen C0878677, MONDO:0010281, OMIM 300257.

Allele frequency attached by ClinVar (database versions not stated): TOPMed below 0.00001; gnomAD exomes 0.00002.
gnomAD v4.1: 15 of 1,208,178 alleles (0.0012%); highest among the groups gnomAD compares: Non-Finnish European, 0.0016%; no homozygotes.

Submission:

Labcorp Genetics (formerly Invitae), Labcorp
Classification: Uncertain significance for Danon disease. Last evaluated: 2019-02-01. Review status: criteria provided, single submitter. Criteria: Invitae Variant Classification Sherloc (09022015). Collection method: clinical testing. Allele origin: germline.
Comment: This sequence change replaces glutamine with glutamic acid at codon 245 of the LAMP2 protein (p.Gln245Glu). The glutamine residue is weakly conserved and there is a small physicochemical difference between glutamine and glutamic acid. In summary, the available evidence is currently insufficient to determine the role of this variant in disease. Therefore, it has been classified as a Variant of Uncertain Significance. Algorithms developed to predict the effect of missense changes on protein structure and function output the following: SIFT: "Tolerated"; PolyPhen-2: "Benign"; Align-GVGD: "Class C0". The glutamic acid amino acid residue is found in multiple mammalian species, suggesting that this missense change does not adversely affect protein function. These predictions have not been confirmed by published functional studies and their clinical significance is uncertain. This variant has not been reported in the literature in individuals with LAMP2-related conditions. This variant is not present in population databases (ExAC no frequency).

NM_002294.3(LAMP2):c.733C>G (p.Gln245Glu)

Gene: LAMP2 (lysosome associated membrane protein 2; minus strand). Cytogenetic location: Xq24.
Variant type: single nucleotide variant.
Coding change: c.733C>G on transcript NM_002294.3 (MANE Select); coding-DNA position 733, C replaced by G.
Protein change: p.Gln245Glu; replaces glutamine 245 with glutamic acid.
Molecular consequence: missense variant.
Genome position (GRCh38, 1-based): chrX:120,447,849, G>C on the plus strand (C>G on the coding strand, the complement: LAMP2 is on the minus strand). VCF-style: chrX-120447849-G-C. GRCh37 (hg19) VCF-style: chrX-119581704-G-C.
Other names: c.733C>G, p.Gln245Glu (NM_001122606.1, NM_013995.2); short protein forms Q245E.
Identifiers: ClinVar variation 856920 (VCV000856920.9), dbSNP rs1246477767, ClinGen allele CA414401171.